The following is an entry in ClinVar:

NM_000474.4(TWIST1):c.149del (p.Ala50fs)

Gene: TWIST1 (twist family bHLH transcription factor 1; minus strand). Cytogenetic location: 7p21.1.
Variant type: Deletion.
Coding change: c.149del on transcript NM_000474.4 (MANE Select); coding-DNA position 149, one base deleted (C; older notation c.149delC).
Protein change: p.Ala50fs; shifts the reading frame from alanine 50.
Molecular consequence: frameshift variant. On other transcripts: non-coding transcript variant (1).
Genome position (GRCh38, 1-based): chr7:19,117,173, G deleted on the plus strand (C on the coding strand, the reverse complement: TWIST1 is on the minus strand). VCF-style (leftmost placement, unchanged base first): chr7-19117172-CG-C. GRCh37 (hg19) VCF-style: chr7-19156795-CG-C.
Other names: short protein forms A50fs.
Identifiers: ClinVar variation 3903180 (VCV003903180.1).
Genomic context (GRCh38, chr7:19,117,172, plus strand): 5'-GGCCGGGCTGCCCGGCTCGTCGCCGCCTCCGACGCCCCCACCCGCGGCTCCGCCGGGCCC[CG>C]CGCCGCCGCCCGCGCTGCGCCTGCTGCTGCGCCGCTTGCGTCCCCCGCGCTTGCCGCTCG-3'

ClinVar aggregate classification (germline): Likely pathogenic (1 of 4 stars; one submission).

Submission:

GeneDx
Classification: Likely pathogenic. Last evaluated: 2024-12-16. Review status: criteria provided, single submitter. Criteria: GeneDx Variant Classification Process June 2021. Collection method: clinical testing. Allele origin: germline. Affected: yes.
Comment: Frameshift variant predicted to result in abnormal protein length as the last 153 amino acids are replaced with 74 different amino acids, and other similar variants have been reported in HGMD; Not observed at significant frequency in large population cohorts (gnomAD); This variant is associated with the following publications: (PMID: 29304373)